The following is an entry in ClinVar:

NM_007315.4(STAT1):c.2011A>G (p.Ile671Val)

Gene: STAT1 (signal transducer and activator of transcription 1; minus strand). Cytogenetic location: 2q32.2.
Variant type: single nucleotide variant.
Coding change: c.2011A>G on transcript NM_007315.4 (MANE Select); coding-DNA position 2011, A replaced by G.
Protein change: p.Ile671Val; replaces isoleucine 671 with valine.
Molecular consequence: missense variant. On other transcripts: intron variant (1).
Genome position (GRCh38, 1-based): chr2:190,976,888, T>C on the plus strand (A>G on the coding strand, the complement: STAT1 is on the minus strand). VCF-style: chr2-190976888-T-C. GRCh37 (hg19) VCF-style: chr2-191841614-T-C.
Other names: c.2011A>G, p.Ile671Val (NM_001384889.1, NM_001384886.1, NM_139266.3); c.1951A>G, p.Ile651Val (NM_001384880.1); c.2017A>G, p.Ile673Val (NM_001384881.1); c.2005A>G, p.Ile669Val (NM_001384882.1); c.1912A>G, p.Ile638Val (NM_001384883.1); c.1852A>G, p.Ile618Val (NM_001384885.1); c.1918A>G, p.Ile640Val (NM_001384887.1); c.1981A>G, p.Ile661Val (NM_001384888.1); and 3 more; short protein forms I618V, I661V, I669V, I671V, I683V, I640V, I673V, I638V.
Identifiers: ClinVar variation 2953411 (VCV002953411.3), dbSNP rs2470418084, ClinGen allele CA349912105.

ClinVar aggregate classification (germline): Uncertain significance (1 of 4 stars; one submission).

Conditions:
Immunodeficiency 31B. Also called: STAT1 DEFICIENCY, AUTOSOMAL RECESSIVE; IMMUNODEFICIENCY 31B, MYCOBACTERIAL AND VIRAL INFECTIONS, AUTOSOMAL RECESSIVE. Identifiers: Orphanet 391311, MedGen C3151088, MONDO:0013427, OMIM 613796.
Autoimmune enteropathy and endocrinopathy - susceptibility to chronic infections syndrome. Also called: Immunodeficiency 31C, autosomal dominant; Immunodeficiency 31C. Identifiers: Orphanet 391487, MedGen C3279990, MONDO:0013599, OMIM 614162.
Mendelian susceptibility to mycobacterial diseases due to partial STAT1 deficiency. Also called: IMMUNODEFICIENCY 31A, MYCOBACTERIOSIS, AUTOSOMAL DOMINANT; STAT1 DEFICIENCY, AUTOSOMAL DOMINANT; Immunodeficiency 31a. Identifiers: Orphanet 319595, MedGen C4013950, MONDO:0013956, OMIM 614892.

Submission:

Labcorp Genetics (formerly Invitae), Labcorp
Classification: Uncertain significance for Mendelian susceptibility to mycobacterial diseases due to partial STAT1 deficiency; Immunodeficiency 31B; Autoimmune enteropathy and endocrinopathy - susceptibility to chronic infections syndrome. Last evaluated: 2023-11-07. Review status: criteria provided, single submitter. Criteria: Invitae Variant Classification Sherloc (09022015). Collection method: clinical testing. Allele origin: germline.
Comment: This sequence change replaces isoleucine, which is neutral and non-polar, with valine, which is neutral and non-polar, at codon 671 of the STAT1 protein (p.Ile671Val). This variant is not present in population databases (gnomAD no frequency). This variant has not been reported in the literature in individuals affected with STAT1-related conditions. An algorithm developed to predict the effect of missense changes on protein structure and function (PolyPhen-2) suggests that this variant is likely to be tolerated. In summary, the available evidence is currently insufficient to determine the role of this variant in disease. Therefore, it has been classified as a Variant of Uncertain Significance.